The following is an entry in ClinVar:

NM_015570.4(AUTS2):c.3587G>C (p.Arg1196Pro)

Gene: AUTS2 (activator of transcription and developmental regulator AUTS2; plus strand). Cytogenetic location: 7q11.22.
Variant type: single nucleotide variant.
Coding change: c.3587G>C on transcript NM_015570.4 (MANE Select); coding-DNA position 3587, G replaced by C.
Protein change: p.Arg1196Pro; replaces arginine 1196 with proline.
Molecular consequence: missense variant.
Genome position (GRCh38, 1-based): chr7:70,790,803, G>C. VCF-style: chr7-70790803-G-C. GRCh37 (hg19) VCF-style: chr7-70255789-G-C.
Other names: c.3515G>C, p.Arg1172Pro (NM_001127231.3); short protein forms R1172P, R1196P.
Identifiers: ClinVar variation 1703154 (VCV001703154.3), dbSNP rs1185348364, ClinGen allele CA367666511.

ClinVar aggregate classification (germline): Uncertain significance (1 of 4 stars; one submission).

Allele frequency attached by ClinVar (database versions not stated): gnomAD 0.00001.
gnomAD v4.1: 29 of 1,606,062 alleles (0.0018%); highest among the groups gnomAD compares: Non-Finnish European, 0.0024%; no homozygotes.

Submission:

Greenwood Genetic Center Diagnostic Laboratories, Greenwood Genetic Center
Classification: Uncertain significance. Last evaluated: 2022-04-20. Review status: criteria provided, single submitter. Criteria: ACMG Guidelines, 2015. Collection method: clinical testing. Allele origin: germline. Affected: yes.
Comment: PM2